The following is an entry in ClinVar:

NM_144999.4(LRRC45):c.1047+5G>T

Gene: LRRC45 (leucine rich repeat containing 45; plus strand). Cytogenetic location: 17q25.3.
Variant type: single nucleotide variant.
Coding change: c.1047+5G>T on transcript NM_144999.4 (MANE Select); 5 bases into the intron after coding-DNA position 1047, G replaced by T.
Molecular consequence: intron variant.
Genome position (GRCh38, 1-based): chr17:82,028,151, G>T. VCF-style: chr17-82028151-G-T. GRCh37 (hg19) VCF-style: chr17-79986027-G-T.
Identifiers: ClinVar variation 4988889 (VCV004988889.1).

ClinVar aggregate classification (germline): Uncertain significance (1 of 4 stars; one submission).

Conditions:
LRRC45-related disorder. Also called: LRRC45-related condition.

gnomAD v4.1: 3 of 1,564,042 alleles (0.00019%); highest among the groups gnomAD compares: African/African-American, 0.0027%; no homozygotes.

Submission:

PreventionGenetics, part of Exact Sciences
Classification: Uncertain significance for LRRC45-related condition. Last evaluated: 2026-06-10. Review status: criteria provided, single submitter. Criteria: ACMG Guidelines, 2015. Collection method: clinical testing. Allele origin: germline.
Comment: The LRRC45 c.1047+5G>T variant is predicted to interfere with splicing. This variant is predicted to alter splicing based on available splicing prediction programs (SpliceAI, Jaganathan et al. 2019. PubMed ID: 30661751). However, the use of computer prediction programs is not equivalent to functional evidence. To our knowledge, this variant has not been reported in the literature. This variant is reported in 0.010% of alleles in individuals of African descent in gnomAD. At this time, the clinical significance of this variant is uncertain due to the absence of conclusive functional and genetic evidence.